The following is an entry in ClinVar:

NM_001378454.1(ALMS1):c.1453A>G (p.Ile485Val)

Gene: ALMS1 (ALMS1 centrosome and basal body associated protein; plus strand). Cytogenetic location: 2p13.1.
Variant type: single nucleotide variant.
Coding change: c.1453A>G on transcript NM_001378454.1 (MANE Select); coding-DNA position 1453, A replaced by G.
Protein change: p.Ile485Val; replaces isoleucine 485 with valine.
Molecular consequence: missense variant.
Genome position (GRCh38, 1-based): chr2:73,447,980, A>G. VCF-style: chr2-73447980-A-G. GRCh37 (hg19) VCF-style: chr2-73675110-A-G.
Other names: c.1456A>G, p.Ile486Val (NM_015120.4); short protein forms I486V, I485V.
Identifiers: ClinVar variation 198873 (VCV000198873.75), dbSNP rs73945001, ClinGen allele CA247732.
Genomic context (GRCh38, chr2:73,447,980, plus strand): 5'-GAAAATTTTATATACTATTAACAAATCTCTTTTTCTTTAGGAGACACTTCTAAAGGAGGC[A>G]TAGCTAAAGTTACTCAATCCAACTTGAAGTCAGGCATCACTACCACTCCTGTTGATTCAG-3'
Protein context (NP_001365383.1, residues 475-495): LKAGDTSKGG[Ile485Val]AKVTQSNLKS

ClinVar aggregate classification (germline): Conflicting classifications of pathogenicity. Review status: criteria provided, conflicting classifications (1 of 4 stars). 16 submissions from 16 submitters: Uncertain significance (3); Benign (4); Likely benign (4). 5 of the submissions do not count toward it. Last evaluated 2026-06-01.

Conditions:
Monogenic diabetes. Identifiers: Orphanet 183625, MedGen C3888631, MONDO:0015967.
Cardiovascular phenotype. Identifiers: MedGen CN230736.
Alstrom syndrome (ALMS). Identifiers: Orphanet 64, MedGen C0268425, MONDO:0008763, OMIM 203800.

Allele frequency attached by ClinVar (database versions not stated): 1000 Genomes Project 0.00140; 1000 Genomes Project 30x 0.00156; ExAC 0.00160; gnomAD exomes 0.00172; ESP Exome Variant Server 0.00176; gnomAD 0.00184 and 0.00195; TOPMed 0.00219.
gnomAD v4.1: 2,790 of 1,612,516 alleles (0.17%); highest among the groups gnomAD compares: Admixed American, 0.36%; 5 homozygotes.

Submissions (16):

CeGaT Center for Human Genetics Tuebingen
Classification: Likely benign. Last evaluated: 2026-06-01. Review status: criteria provided, single submitter. Criteria: CeGaT Center For Human Genetics Tuebingen Variant Classification Criteria Version 2. Collection method: clinical testing. Allele origin: germline. Affected: yes. Observed: 7 variant alleles.
Comment: ALMS1: BP4, BS2

Labcorp Genetics (formerly Invitae), Labcorp
Classification: Benign for Alstrom syndrome. Last evaluated: 2026-02-04. Review status: criteria provided, single submitter. Criteria: Invitae Variant Classification Sherloc (09022015). Collection method: clinical testing. Allele origin: germline.

Blueprint Genetics
Classification: Likely benign. Last evaluated: 2024-11-19. Review status: criteria provided, single submitter. Criteria: ACMG Guidelines, 2015. Collection method: clinical testing. Allele origin: germline.

Ambry Genetics
Classification: Likely benign for Cardiovascular phenotype. Last evaluated: 2022-05-09. Review status: criteria provided, single submitter. Criteria: Ambry Variant Classification Scheme 2023. Collection method: clinical testing. Allele origin: germline.

Genome-Nilou Lab
Classification: Benign for Alstrom syndrome. Last evaluated: 2021-05-18. Review status: criteria provided, single submitter. Criteria: ACMG Guidelines, 2015. Collection method: clinical testing. Allele origin: germline. Affected: no.

Genetic Services Laboratory, University of Chicago
Classification: Likely benign. Last evaluated: 2021-04-15. Review status: criteria provided, single submitter. Criteria: ACMG Guidelines, 2015. Collection method: clinical testing. Allele origin: germline. Affected: no.

Women's Health and Genetics/Laboratory Corporation of America, LabCorp
Classification: Benign. Last evaluated: 2020-12-07. Review status: criteria provided, single submitter. Criteria: LabCorp Variant Classification Summary - May 2015. Collection method: clinical testing. Allele origin: germline.
Comment: Variant summary: ALMS1 c.1453A>G (p.Ile485Val) results in a conservative amino acid change in the encoded protein sequence. Four of five in-silico tools predict a benign effect of the variant on protein function. The variant allele was found at a frequency of 0.0017 in 279644 control chromosomes in the gnomAD database, including 2 homozygotes. The variant was found predominantly within the Latino- (allele frequency: 0.0026) and the non-Finnish European (0.0023) subpopulations, and the observed variant frequency within these control individuals is approximately 1.3 to 1.4-fold of the estimated maximal expected allele frequency for a pathogenic variant in ALMS1 causing Alstrom Syndrome with Dilated Cardiomyopathy phenotype (0.0018), strongly suggesting that the variant is a benign polymorphism. To our knowledge, no occurrence of c.1453A>G in individuals affected with Alstrom Syndrome with Dilated Cardiomyopathy and no experimental evidence demonstrating its impact on protein function have been reported. Six submitters have provided clinical-significance assessments for this variant in ClinVar after 2014 without evidence for independent evaluation, and classified the variant as VUS (3x), likely benign (1x) or benign (2x). Based on the evidence outlined above, the variant was classified as benign.

Personalized Diabetes Medicine Program, University of Maryland School of Medicine
Classification: Benign for Monogenic diabetes. Last evaluated: 2019-02-08. Review status: criteria provided, single submitter. Criteria: ACMG Guidelines, 2015. Collection method: research. Allele origin: unknown. Observed: 3 variant alleles, 3 heterozygotes.
Comment: ACMG criteria: BP4 (8 predictors, REVEL 0.017), BP1(missense variant when mutations are truncating), BS2 (2 homozygotes in gnomAD Eur NF), BS1 (0.2% MAF in gnomAD latino, eurNF, other)=benign (Emory classified as VUS)

Stanford Center for Inherited Cardiovascular Disease, Stanford University
Classification: Uncertain significance. Last evaluated: 2017-05-02. Review status: criteria provided, single submitter. Criteria: ACMG Guidelines, 2015. Collection method: provider interpretation. Allele origin: germline.

Eurofins Ntd Llc (ga)
Classification: Uncertain significance. Last evaluated: 2015-01-29. Review status: criteria provided, single submitter. Criteria: EGL Classification Definitions 2015. Collection method: clinical testing. Allele origin: germline. Observed: 1 variant allele, 1 heterozygote.

Clinical Genomics, Uppaluri K&H Personalized Medicine Clinic
Classification: Uncertain significance for Alstrom syndrome. Review status: criteria provided, single submitter. Criteria: K & H Uppaluri Personalized Medicine Clinic Variant Classification & Assertion Criteria_Updated V.1. Collection method: research. Allele origin: unknown. Inheritance: Autosomal recessive inheritance.
Comment: Potent mutations in ALMS1 are associated with a rare condition called Alstrom syndrome. It can cause excessive eating, insulin resistance. However, no evidence is found to ascertain the role of rs73945001 in Alstrom syndrome yet.

Natera, Inc.
Classification: Benign for Alstrom syndrome. Last evaluated: 2020-09-16. Review status: no assertion criteria provided. Collection method: clinical testing. Allele origin: germline. Not counted in ClinVar's aggregate classification.

Clinical Genetics DNA and cytogenetics Diagnostics Lab, Erasmus MC, Erasmus Medical Center
Classification: Benign. Review status: no assertion criteria provided. Collection method: clinical testing. Allele origin: germline. Affected: yes. Study: VKGL Data-share Consensus. Not counted in ClinVar's aggregate classification.

Clinical Genetics, Academic Medical Center
Classification: Likely benign. Review status: no assertion criteria provided. Collection method: clinical testing. Allele origin: germline. Affected: yes. Study: VKGL Data-share Consensus. Not counted in ClinVar's aggregate classification.

Genome Diagnostics Laboratory, University Medical Center Utrecht
Classification: Likely benign. Review status: no assertion criteria provided. Collection method: clinical testing. Allele origin: germline. Affected: yes. Study: VKGL Data-share Consensus. Not counted in ClinVar's aggregate classification.

Laboratory of Diagnostic Genome Analysis, Leiden University Medical Center (LUMC)
Classification: Likely benign. Review status: no assertion criteria provided. Collection method: clinical testing. Allele origin: germline. Affected: yes. Study: VKGL Data-share Consensus. Not counted in ClinVar's aggregate classification.

Literature cited by the submitters: PubMed 34148947 (cited by Clinical Genomics, Uppaluri K&H Personalized Medicine Clinic); PubMed 25846608 (cited by Clinical Genomics, Uppaluri K&H Personalized Medicine Clinic); PubMed 30421101 (cited by Clinical Genomics, Uppaluri K&H Personalized Medicine Clinic); PubMed 33669459 (cited by Clinical Genomics, Uppaluri K&H Personalized Medicine Clinic).